The following is an entry in ClinVar:

ClinVar aggregate classification (germline): Uncertain significance (1 of 4 stars; one submission).

Conditions:
Developmental and epileptic encephalopathy, 42 (DEE42A). Also called: DEVELOPMENTAL AND EPILEPTIC ENCEPHALOPATHY 42A; EPILEPTIC ENCEPHALOPATHY, EARLY INFANTILE, 42A; Epileptic encephalopathy, early infantile, 42. Identifiers: MedGen C4310716, MONDO:0014917, OMIM 617106.

Allele frequency attached by ClinVar (database versions not stated): gnomAD exomes below 0.00001; TOPMed 0.00002.
gnomAD v4.1: 3 of 1,573,816 alleles (0.00019%); highest among the groups gnomAD compares: Admixed American, 0.0017%; no homozygotes.

Submission:

New York Genome Center
Classification: Uncertain significance for Developmental and epileptic encephalopathy, 42. Last evaluated: 2021-09-10. Review status: criteria provided, single submitter. Criteria: NYGC Assertion Criteria 2020. Collection method: clinical testing. Allele origin: de novo. Observed: 1 heterozygote. Study: CSER-NYCKidSeq.
Comment: The de novo c.3825+70A>G variant identified in the CACNA1A gene substitutes a moderately conserved Adenine for Guanine at the +70 positionwithin intron 22/46 (Thymine for Cytosine at DNA level). Some species, including Bushbaby and Squirrel do have an endogenous Cytosine at this position. This variant is absent from gnomAD(v3.1.1) suggesting it is not a common benign variant in the populations represented in that database. In silico algorithm SpliceAI suggests a weak possibility that this variant leads to the creation of a donor gain site 11 base pairs upstream of the variant (delta score: 0.04), and the Transcript inferred Pathogenicity (TraP) score for this variant is 0.214 (>92.5% score percentile) suggesting it is possibly damaging to splicing. This variant is absent from ClinVar and to our current knowledge has not been reported in affected individuals in the literature. While it is identified de novo here and absent in population databases, due to the lack of additional compelling evidence on the functional consequence of the deep intronic c.3825+70A>G variant identified in the CACNA1A gene, it is reported as a Variant of Uncertain Significance.

NM_001127222.2(CACNA1A):c.3822+70A>G

Gene: CACNA1A (calcium voltage-gated channel subunit alpha1 A; minus strand). Cytogenetic location: 19p13.13.
Variant type: single nucleotide variant.
Coding change: c.3822+70A>G on transcript NM_001127222.2 (MANE Select); 70 bases into the intron after coding-DNA position 3822, A replaced by G.
Molecular consequence: intron variant.
Genome position (GRCh38, 1-based): chr19:13,283,197, T>C on the plus strand (A>G on the coding strand, the complement: CACNA1A is on the minus strand). VCF-style: chr19-13283197-T-C. GRCh37 (hg19) VCF-style: chr19-13394011-T-C.
Other names: c.3825+70A>G (NM_001127221.2, NM_001174080.2); c.3834+70A>G (NM_000068.4, NM_023035.3).
Identifiers: ClinVar variation 1701656 (VCV001701656.1), dbSNP rs1462524553, ClinGen allele CA783428462.